The following is an entry in ClinVar:

ClinVar aggregate classification (germline): Pathogenic/Likely pathogenic. Review status: criteria provided, multiple submitters, no conflicts (2 of 4 stars). 2 submissions from 2 submitters: Pathogenic (1); Likely pathogenic (1). Last evaluated 2021-01-15.

Submissions (2):

Greenwood Genetic Center Diagnostic Laboratories, Greenwood Genetic Center
Classification: Likely pathogenic. Last evaluated: 2021-01-15. Review status: criteria provided, single submitter. Criteria: ACMG Guidelines, 2015. Collection method: clinical testing. Allele origin: germline. Affected: yes.
Comment: PVS1, PM2

Eurofins Ntd Llc (ga)
Classification: Pathogenic. Last evaluated: 2016-02-02. Review status: criteria provided, single submitter. Criteria: EGL Classification Definitions 2015. Collection method: clinical testing. Allele origin: germline. Observed: 1 variant allele, 1 heterozygote.

NM_000271.5(NPC1):c.67del (p.Gln23fs)

Gene: NPC1 (NPC intracellular cholesterol transporter 1; minus strand). Cytogenetic location: 18q11.2.
Variant type: Deletion.
Coding change: c.67del on transcript NM_000271.5 (MANE Select); coding-DNA position 67, one base deleted (C; older notation c.67delC).
Protein change: p.Gln23fs; shifts the reading frame from glutamine 23.
Molecular consequence: frameshift variant.
Genome position (GRCh38, 1-based): chr18:23,573,565, G deleted on the plus strand (C on the coding strand, the reverse complement: NPC1 is on the minus strand). VCF-style (leftmost placement, unchanged base first): chr18-23573564-TG-T. GRCh37 (hg19) VCF-style: chr18-21153528-TG-T.
Other names: short protein forms Q23fs.
Identifiers: ClinVar variation 285543 (VCV000285543.8), dbSNP rs886043131, ClinGen allele CA10605146.